The following is an entry in ClinVar:

ClinVar aggregate classification (germline): Uncertain significance. Review status: criteria provided, multiple submitters, no conflicts (2 of 4 stars). 2 submissions from 2 submitters: Uncertain significance (2). Last evaluated 2025-08-25.

Conditions:
Inborn genetic diseases. Identifiers: MedGen C0950123, MeSH D030342.

Allele frequency attached by ClinVar (database versions not stated): gnomAD exomes 0.00001 and 0.00003; TOPMed 0.00002; ExAC 0.00003; gnomAD 0.00003 and 0.00004.
gnomAD v4.1: 20 of 1,583,084 alleles (0.0013%); highest among the groups gnomAD compares: Non-Finnish European, 0.0017%; no homozygotes.

Submissions (2):

Labcorp Genetics (formerly Invitae), Labcorp
Classification: Uncertain significance. Last evaluated: 2025-08-25. Review status: criteria provided, single submitter. Criteria: Invitae Variant Classification Sherloc (09022015). Collection method: clinical testing. Allele origin: germline.
Comment: This sequence change replaces isoleucine, which is neutral and non-polar, with valine, which is neutral and non-polar, at codon 471 of the EIF2AK3 protein (p.Ile471Val). This variant is present in population databases (rs764107317, gnomAD 0.005%). This variant has not been reported in the literature in individuals affected with EIF2AK3-related conditions. ClinVar contains an entry for this variant (Variation ID: 1362681). An algorithm developed to predict the effect of missense changes on protein structure and function (PolyPhen-2) suggests that this variant is likely to be tolerated. In summary, the available evidence is currently insufficient to determine the role of this variant in disease. Therefore, it has been classified as a Variant of Uncertain Significance.

Ambry Genetics
Classification: Uncertain significance for Inborn genetic diseases. Last evaluated: 2024-02-21. Review status: criteria provided, single submitter. Criteria: Ambry Variant Classification Scheme 2023. Collection method: clinical testing. Allele origin: germline.

NM_004836.7(EIF2AK3):c.1411A>G (p.Ile471Val)

Gene: EIF2AK3 (eukaryotic translation initiation factor 2 alpha kinase 3; minus strand). Cytogenetic location: 2p11.2.
Variant type: single nucleotide variant.
Coding change: c.1411A>G on transcript NM_004836.7 (MANE Select); coding-DNA position 1411, A replaced by G.
Protein change: p.Ile471Val; replaces isoleucine 471 with valine.
Molecular consequence: missense variant.
Genome position (GRCh38, 1-based): chr2:88,588,000, T>C on the plus strand (A>G on the coding strand, the complement: EIF2AK3 is on the minus strand). VCF-style: chr2-88588000-T-C. GRCh37 (hg19) VCF-style: chr2-88887518-T-C.
Other names: c.1411A>G (NM_004836.5); c.958A>G, p.Ile320Val (NM_001313915.2); short protein forms I320V, I471V.
Identifiers: ClinVar variation 1362681 (VCV001362681.7), dbSNP rs764107317, ClinGen allele CA1754708.